The following is an entry in ClinVar:

NM_022455.5(NSD1):c.*4CAAT[1]

Gene: NSD1 (nuclear receptor binding SET domain protein 1; plus strand). Cytogenetic location: 5q35.3.
Variant type: Microsatellite.
Coding change: c.*4CAAT[1] on transcript NM_022455.5 (MANE Select); one copy of the 4-base unit CAAT starting at c.*4; the reference has two copies in a row; one copy, 4 bases deleted.
Molecular consequence: 3 prime UTR variant.
Genome position (GRCh38, 1-based): chr5:177,295,467-177,295,470, CAAT deleted; deleting any 4 consecutive bases within chr5:177,295,463-177,295,470 gives the same sequence; the position shown is the placement nearest the transcript's 3' end. VCF-style (leftmost placement, unchanged base first): chr5-177295462-CCAAT-C. GRCh37 (hg19) VCF-style: chr5-176722463-CCAAT-C.
Other names: c.*4CAAT[1] (NM_001365684.2, NM_001409301.1, NM_001409302.1 and 8 more transcripts); c.*8_*11delCAAT (NM_022455.5).
Identifiers: ClinVar variation 3339938 (VCV003339938.1).

ClinVar aggregate classification (germline): Uncertain significance (1 of 4 stars; one submission).

Submission:

Women's Health and Genetics/Laboratory Corporation of America, LabCorp
Classification: Uncertain significance. Last evaluated: 2024-06-20. Review status: criteria provided, single submitter. Criteria: LabCorp Variant Classification Summary - May 2015. Collection method: clinical testing. Allele origin: germline.
Comment: Variant summary: NSD1 c.*8_*11delCAAT is located in the untranslated mRNA region downstream of the termination codon. The variant was absent in 249902 control chromosomes. The available data on variant occurrences in the general population are insufficient to allow any conclusion about variant significance. To our knowledge, no occurrence of c.*8_*11delCAAT in individuals affected with Sotos Syndrome and no experimental evidence demonstrating its impact on protein function have been reported. No submitters have cited clinical-significance assessments for this variant to ClinVar. Based on the evidence outlined above, the variant was classified as uncertain significance.